The following is an entry in ClinVar:

ClinVar aggregate classification (germline): Uncertain significance. Review status: criteria provided, multiple submitters, no conflicts (2 of 4 stars). 2 submissions from 2 submitters: Uncertain significance (2). Last evaluated 2024-10-16.

Allele frequency attached by ClinVar (database versions not stated): gnomAD 0.00001; gnomAD exomes 0.00001; TOPMed 0.00001; 1000 Genomes Project 30x 0.00016; 1000 Genomes Project 0.00020.
gnomAD v4.1: 16 of 1,614,024 alleles (0.00099%); highest among the groups gnomAD compares: African/African-American, 0.02%; no homozygotes.

Submissions (2):

Ambry Genetics
Classification: Uncertain significance. Last evaluated: 2024-10-16. Review status: criteria provided, single submitter. Criteria: Ambry Variant Classification Scheme 2023. Collection method: clinical testing. Allele origin: germline.

Labcorp Genetics (formerly Invitae), Labcorp
Classification: Uncertain significance. Last evaluated: 2023-03-03. Review status: criteria provided, single submitter. Criteria: Invitae Variant Classification Sherloc (09022015). Collection method: clinical testing. Allele origin: germline.
Comment: An algorithm developed to predict the effect of missense changes on protein structure and function (PolyPhen-2) suggests that this variant is likely to be disruptive. This variant has not been reported in the literature in individuals affected with ARHGAP24-related conditions. This variant is not present in population databases (gnomAD no frequency). This sequence change replaces valine, which is neutral and non-polar, with isoleucine, which is neutral and non-polar, at codon 420 of the ARHGAP24 protein (p.Val420Ile). In summary, the available evidence is currently insufficient to determine the role of this variant in disease. Therefore, it has been classified as a Variant of Uncertain Significance.

NM_001025616.3(ARHGAP24):c.1258G>A (p.Val420Ile)

Gene: ARHGAP24 (Rho GTPase activating protein 24; plus strand). Cytogenetic location: 4q21.23.
Variant type: single nucleotide variant.
Coding change: c.1258G>A on transcript NM_001025616.3 (MANE Select); coding-DNA position 1258, G replaced by A.
Protein change: p.Val420Ile; replaces valine 420 with isoleucine.
Molecular consequence: missense variant.
Genome position (GRCh38, 1-based): chr4:85,994,912, G>A. VCF-style: chr4-85994912-G-A. GRCh37 (hg19) VCF-style: chr4-86916065-G-A.
Other names: c.1258G>A (NM_001025616.2); c.973G>A, p.Val325Ile (NM_001042669.2); c.1003G>A, p.Val335Ile (NM_001287805.2); c.679G>A, p.Val227Ile (NM_001346093.2); c.979G>A, p.Val327Ile (NM_031305.3); short protein forms V325I, V227I, V327I, V335I, V420I.
Identifiers: ClinVar variation 2992876 (VCV002992876.4), dbSNP rs116743529, ClinGen allele CA100736768.